The following is an entry in ClinVar:

ClinVar aggregate classification (germline): Uncertain significance (1 of 4 stars; one submission).

Conditions:
Neurodevelopmental disorder with coarse facies and mild distal skeletal abnormalities. Also called: STOLERMAN NEURODEVELOPMENTAL SYNDROME. Identifiers: MedGen C5193134, MONDO:0032790, OMIM 618505.

Submission:

OLLIN Analises Genomicas, OLLIN
Classification: Uncertain significance for Neurodevelopmental disorder with coarse facies and mild distal skeletal abnormalities. Last evaluated: 2026-08-06. Review status: criteria provided, single submitter. Criteria: ACMG Guidelines 2015 PMID 25741868. Collection method: clinical testing. Allele origin: germline. Inheritance: Autosomal dominant inheritance.
Comment: This missense variant, located in exon 12 (of 24), is absent from gnomAD and ClinVar and has not been identified in the literature. In silico analysis predicts that this variant has a tolerated effect. According to the currently available evidence, this variant has been classified as uncertain significance (PM2_P, BP4_M).

NM_001348716.2(KDM6B):c.3352T>G (p.Phe1118Val)

Gene: KDM6B (lysine demethylase 6B; plus strand). Cytogenetic location: 17p13.1.
Variant type: single nucleotide variant.
Coding change: c.3352T>G on transcript NM_001348716.2 (MANE Select); coding-DNA position 3352, T replaced by G.
Protein change: p.Phe1118Val; replaces phenylalanine 1118 with valine.
Molecular consequence: missense variant.
Genome position (GRCh38, 1-based): chr17:7,849,640, T>G. VCF-style: chr17-7849640-T-G. GRCh37 (hg19) VCF-style: chr17-7752958-T-G.
Other names: c.3352T>G, p.Phe1118Val (NM_001080424.2); short protein forms F1118V.
Identifiers: ClinVar variation 5003187 (VCV005003187.1).